The following is an entry in ClinVar:

ClinVar aggregate classification (germline): Likely benign. Review status: criteria provided, multiple submitters, no conflicts (2 of 4 stars). 2 submissions from 2 submitters: Likely benign (2). Last evaluated 2025-03-24.

Conditions:
Myopathy with tubular aggregates (TAM). Also called: Tubular Aggregate Myopathy. Identifiers: Orphanet 2593, MedGen C0410207, MONDO:0008051.
Stormorken syndrome (STRMK). Also called: THROMBOCYTOPATHY, ASPLENIA, AND MIOSIS. Identifiers: Orphanet 3204, MedGen C1861451, MONDO:0008497, OMIM 185070.
Combined immunodeficiency due to STIM1 deficiency. Also called: STIM1 DEFICIENCY; IMMUNODEFICIENCY 10. Identifiers: Orphanet 169090, Orphanet 317430, MedGen C2748557, MONDO:0013008, OMIM 612783.
STIM1-related disorder. Also called: STIM1-related condition.

Submissions (2):

PreventionGenetics, part of Exact Sciences
Classification: Likely benign for STIM1-related condition. Last evaluated: 2025-03-24. Review status: criteria provided, single submitter. Criteria: ACMG Guidelines, 2015. Collection method: clinical testing. Allele origin: germline.
Comment: This variant is classified as likely benign based on ACMG/AMP sequence variant interpretation guidelines (Richards et al. 2015 PMID: 25741868, with internal and published modifications).

Labcorp Genetics (formerly Invitae), Labcorp
Classification: Likely benign for Myopathy with tubular aggregates; Combined immunodeficiency due to STIM1 deficiency; Stormorken syndrome. Last evaluated: 2023-08-04. Review status: criteria provided, single submitter. Criteria: Invitae Variant Classification Sherloc (09022015). Collection method: clinical testing. Allele origin: germline.

NM_001382567.1(STIM1):c.1138-4G>A

Gene: STIM1 (stromal interaction molecule 1; plus strand). Cytogenetic location: 11p15.4.
Variant type: single nucleotide variant.
Coding change: c.1138-4G>A on transcript NM_001382567.1 (MANE Select); 4 bases into the intron before coding-DNA position 1138, G replaced by A.
Molecular consequence: intron variant.
Genome position (GRCh38, 1-based): chr11:4,082,878, G>A. VCF-style: chr11-4082878-G-A. GRCh37 (hg19) VCF-style: chr11-4104108-G-A.
Other names: c.1138-4G>A (NM_003156.3, NM_001382568.1, NM_001277962.2 and 2 more transcripts); c.916-4G>A (NM_001382578.1, NM_001382575.1, NM_001382576.1 and 4 more transcripts); c.649-4G>A (NM_001382580.1, NM_001382581.1); c.910-4G>A (NM_001382570.1); c.1003-4G>A (NM_001382569.1); c.658-4G>A (NM_001382571.1).
Identifiers: ClinVar variation 1117853 (VCV001117853.10), dbSNP rs1229330873, ClinGen allele CA2499220943.